The following is an entry in ClinVar:

ClinVar aggregate classification (germline): Uncertain significance. Review status: criteria provided, multiple submitters, no conflicts (2 of 4 stars). 3 submissions from 3 submitters: Uncertain significance (2). 1 of the submissions does not count toward it. Last evaluated 2024-09-30.

Conditions:
Inborn genetic diseases. Identifiers: MedGen C0950123, MeSH D030342.
SLC25A13-related disorder. Also called: SLC25A13-related condition.
Citrin deficiency. Identifiers: Orphanet 247582, MedGen C1997910, MONDO:0016602.

Allele frequency attached by ClinVar (database versions not stated): ExAC 0.00002; gnomAD exomes 0.00002 and 0.00003; TOPMed 0.00002; gnomAD 0.00003.
gnomAD v4.1: 36 of 1,613,924 alleles (0.0022%); highest among the groups gnomAD compares: South Asian, 0.0033%; 1 homozygote.

Submissions (3):

Ambry Genetics
Classification: Uncertain significance for Inborn genetic diseases. Last evaluated: 2024-09-30. Review status: criteria provided, single submitter. Criteria: Ambry Variant Classification Scheme 2023. Collection method: clinical testing. Allele origin: germline.

Labcorp Genetics (formerly Invitae), Labcorp
Classification: Uncertain significance for Citrin deficiency. Last evaluated: 2022-09-28. Review status: criteria provided, single submitter. Criteria: Invitae Variant Classification Sherloc (09022015). Collection method: clinical testing. Allele origin: germline.
Comment: This sequence change replaces arginine, which is basic and polar, with cysteine, which is neutral and slightly polar, at codon 571 of the SLC25A13 protein (p.Arg571Cys). This variant is present in population databases (rs753626243, gnomAD 0.006%), including at least one homozygous and/or hemizygous individual. This variant has not been reported in the literature in individuals affected with SLC25A13-related conditions. ClinVar contains an entry for this variant (Variation ID: 1366531). Advanced modeling of protein sequence and biophysical properties (such as structural, functional, and spatial information, amino acid conservation, physicochemical variation, residue mobility, and thermodynamic stability) has been performed at Invitae for this missense variant, however the output from this modeling did not meet the statistical confidence thresholds required to predict the impact of this variant on SLC25A13 protein function. In summary, the available evidence is currently insufficient to determine the role of this variant in disease. Therefore, it has been classified as a Variant of Uncertain Significance.

PreventionGenetics, part of Exact Sciences
Classification: Uncertain significance for SLC25A13-related condition. Last evaluated: 2024-02-14. Review status: no assertion criteria provided. Collection method: clinical testing. Allele origin: germline. Not counted in ClinVar's aggregate classification.
Comment: The SLC25A13 c.1711C>T variant is predicted to result in the amino acid substitution p.Arg571Cys. To our knowledge, this variant has not been reported in the literature. This variant is reported in 0.0065% of alleles in individuals of South Asian descent in gnomAD. At this time, the clinical significance of this variant is uncertain due to the absence of conclusive functional and genetic evidence.

NM_014251.3(SLC25A13):c.1711C>T (p.Arg571Cys)

Gene: SLC25A13 (solute carrier family 25 member 13; minus strand). Cytogenetic location: 7q21.3.
Variant type: single nucleotide variant.
Coding change: c.1711C>T on transcript NM_014251.3 (MANE Select); coding-DNA position 1711, C replaced by T.
Protein change: p.Arg571Cys; replaces arginine 571 with cysteine.
Molecular consequence: missense variant. On other transcripts: non-coding transcript variant (1).
Genome position (GRCh38, 1-based): chr7:96,121,878, G>A on the plus strand (C>T on the coding strand, the complement: SLC25A13 is on the minus strand). VCF-style: chr7-96121878-G-A. GRCh37 (hg19) VCF-style: chr7-95751190-G-A.
Other names: c.1711C>T (NM_014251.2); c.1714C>T, p.Arg572Cys (NM_001160210.2); short protein forms R571C, R572C.
Identifiers: ClinVar variation 1366531 (VCV001366531.6), dbSNP rs753626243, ClinGen allele CA4352814.